The following is an entry in ClinVar:

ClinVar aggregate classification (germline): Uncertain significance (1 of 4 stars; one submission).

Allele frequency attached by ClinVar (database versions not stated): TOPMed 0.00001.

Submission:

Labcorp Genetics (formerly Invitae), Labcorp
Classification: Uncertain significance. Last evaluated: 2023-06-19. Review status: criteria provided, single submitter. Criteria: Invitae Variant Classification Sherloc (09022015). Collection method: clinical testing. Allele origin: germline.
Comment: In summary, the available evidence is currently insufficient to determine the role of this variant in disease. Therefore, it has been classified as a Variant of Uncertain Significance. Advanced modeling of protein sequence and biophysical properties (such as structural, functional, and spatial information, amino acid conservation, physicochemical variation, residue mobility, and thermodynamic stability) performed at Invitae indicates that this missense variant is not expected to disrupt OPA1 protein function. ClinVar contains an entry for this variant (Variation ID: 1718008). This variant has not been reported in the literature in individuals affected with OPA1-related conditions. This variant is not present in population databases (gnomAD no frequency). This sequence change replaces arginine, which is basic and polar, with glycine, which is neutral and non-polar, at codon 92 of the OPA1 protein (p.Arg92Gly).

NM_130837.3(OPA1):c.274A>G (p.Arg92Gly)

Gene: OPA1 (OPA1 mitochondrial dynamin like GTPase; plus strand). Cytogenetic location: 3q29.
Variant type: single nucleotide variant.
Coding change: c.274A>G on transcript NM_130837.3 (MANE Select); coding-DNA position 274, A replaced by G.
Protein change: p.Arg92Gly; replaces arginine 92 with glycine.
Molecular consequence: missense variant. On other transcripts: 5 prime UTR variant (2).
Genome position (GRCh38, 1-based): chr3:193,614,964, A>G. VCF-style: chr3-193614964-A-G. GRCh37 (hg19) VCF-style: chr3-193332753-A-G.
Other names: c.-99A>G (NM_001354663.2, NM_001354664.2); c.274A>G, p.Arg92Gly (NM_015560.3, NM_130831.3, NM_130832.3 and 4 more transcripts); short protein forms R92G.
Identifiers: ClinVar variation 1718008 (VCV001718008.5), dbSNP rs1728790258, ClinGen allele CA355786866.